The following is an entry in ClinVar:

ClinVar aggregate classification (germline): Uncertain significance (1 of 4 stars; one submission).

Submission:

GeneDx
Classification: Uncertain significance. Last evaluated: 2019-12-06. Review status: criteria provided, single submitter. Criteria: GeneDx Variant Classification Process June 2021. Collection method: clinical testing. Allele origin: germline. Affected: yes.
Comment: Not observed in large population cohorts (Lek et al., 2016); In silico analysis, which includes splice predictors and evolutionary conservation, supports that this variant does not alter protein structure/function; Has not been previously published as pathogenic or benign to our knowledge

NM_001182.5(ALDH7A1):c.711T>C (p.Val237=)

Gene: ALDH7A1 (aldehyde dehydrogenase 7 family member A1; minus strand). Cytogenetic location: 5q23.2.
Variant type: single nucleotide variant.
Coding change: c.711T>C on transcript NM_001182.5 (MANE Select); coding-DNA position 711, T replaced by C.
Protein change: p.Val237=; no amino-acid change (valine 237 retained).
Molecular consequence: synonymous variant.
Genome position (GRCh38, 1-based): chr5:126,570,844, A>G on the plus strand (T>C on the coding strand, the complement: ALDH7A1 is on the minus strand). VCF-style: chr5-126570844-A-G. GRCh37 (hg19) VCF-style: chr5-125906536-A-G.
Other names: c.627T>C, p.Val209= (NM_001201377.2); c.711T>C, p.Val237= (NM_001202404.2).
Identifiers: ClinVar variation 1310823 (VCV001310823.2), dbSNP rs2112785401, ClinGen allele CA446283862.
Genomic context (GRCh38, chr5:126,570,844, plus strand): 5'-AATATCTGCTCCACCACAAGTCAAGGAACAAATTGCACCAGGCAGCTTGTTGTCCTCCAG[A>G]ACCTTGGCTATTATCCTAGAAAGGAAAAAGCAATTACTGAGGCAATAATTTAAGGCATTT-3'
Protein context (NP_001173.2, residues 227-247): SVAVTKIIAK[Val237=]LEDNKLPGAI